The following is an entry in ClinVar:

NM_000391.4(TPP1):c.1496dup (p.Leu500fs)

Gene: TPP1 (tripeptidyl peptidase 1; minus strand). Cytogenetic location: 11p15.4.
Variant type: Duplication.
Coding change: c.1496dup on transcript NM_000391.4 (MANE Select); coding-DNA position 1496, one base duplicated (C; older notation c.1496dupC).
Protein change: p.Leu500fs; shifts the reading frame from leucine 500.
Molecular consequence: frameshift variant.
Genome position (GRCh38, 1-based): chr11:6,614,921, G duplicated on the plus strand (C on the coding strand, the reverse complement: TPP1 is on the minus strand); the first of 6 consecutive G bases (chr11:6,614,921-6,614,926); duplicating any one gives the same sequence. VCF-style (leftmost placement, unchanged base first): chr11-6614920-A-AG. GRCh37 (hg19) VCF-style: chr11-6636151-A-AG.
Other names: short protein forms L500fs.
Identifiers: ClinVar variation 1190419 (VCV001190419.10), dbSNP rs756963463, ClinGen allele CA5858628.
Genomic context (GRCh38, chr11:6,614,920, plus strand): 5'-ACTTACATCAAAGAGTCCTGCCCCATGCTGCTGGTAGAGCCTTGGGTTGAGAAAGCCAAG[A>AG]GGGGGGCGGCCACTAAGGATCCTGTGCTCATTGATCAAGGATAGGATCCCCCCAAACACT-3'

ClinVar aggregate classification (germline): Pathogenic/Likely pathogenic. Review status: criteria provided, multiple submitters, no conflicts (2 of 4 stars). 4 submissions from 4 submitters: Pathogenic (2); Likely pathogenic (2). Last evaluated 2025-11-28.

Conditions:
Neuronal ceroid lipofuscinosis 2. Also called: TPP1-Related Neuronal Ceroid-Lipofuscinosis; JANSKY-BIELSCHOWSKY DISEASE NEURONAL CEROID LIPOFUSCINOSIS, LATE INFANTILE. Identifiers: Orphanet 168491, Orphanet 228349, Orphanet 79264, MedGen C1876161, MONDO:0008769, OMIM 204500.

Submissions (4):

Natera, Inc.
Classification: Likely pathogenic for Neuronal ceroid lipofuscinosis 2. Last evaluated: 2025-11-28. Review status: criteria provided, single submitter. Criteria: Natera Variant Classification Schema (03/2026). Collection method: clinical testing. Allele origin: germline.
Comment: The c.1496dupC variant in TPP1 is a frameshift variant predicted to shift the reading frame beginning at codon 500 and leads to a stop codon 18 codons downstream. This variant is expected to result in nonsense mediated decay, truncation, or a dysfunctional protein product. This variant is rare in the general population with a frequency below the threshold expected for the associated phenotype(s). This variant has been observed in one or more individuals affected with the associated recessive disease, as either homozygous or compound heterozygous with a second variant (PMID: 30792901). Given the available evidence, this variant is classified as Likely Pathogenic.

Labcorp Genetics (formerly Invitae), Labcorp
Classification: Pathogenic. Last evaluated: 2023-12-13. Review status: criteria provided, single submitter. Criteria: Invitae Variant Classification Sherloc (09022015). Collection method: clinical testing. Allele origin: germline.
Comment: This sequence change creates a premature translational stop signal (p.Leu500Serfs*18) in the TPP1 gene. While this is not anticipated to result in nonsense mediated decay, it is expected to disrupt the last 64 amino acid(s) of the TPP1 protein. This variant is not present in population databases (gnomAD no frequency). This premature translational stop signal has been observed in individual(s) with TPP1-related conditions (PMID: 30792901). ClinVar contains an entry for this variant (Variation ID: 1190419). This variant disrupts a region of the TPP1 protein in which other variant(s) (p.Trp542*) have been determined to be pathogenic (PMID: 31283065; Invitae). This suggests that this is a clinically significant region of the protein, and that variants that disrupt it are likely to be disease-causing. For these reasons, this variant has been classified as Pathogenic.

Illumina Laboratory Services, Illumina
Classification: Pathogenic for Neuronal ceroid lipofuscinosis 2. Last evaluated: 2022-07-19. Review status: criteria provided, single submitter. Criteria: ICSLVariantClassificationCriteria RUGD 01 April 2020. Collection method: clinical testing. Allele origin: unknown.
Comment: The TPP1 c.1496dupC p.(Leu500SerfsTer18) variant causes a shift in the protein reading frame that is predicted to result in premature termination of the protein. Loss of normal protein function through either protein truncation or nonsense-mediated mRNA decay is expected. To our knowledge, this variant has not been reported in the peer-reviewed literature. This variant is not observed in version 2.1.1 of the Genome Aggregation Database. Based on the available evidence, the c.1496dupC p.(Leu500SerfsTer18) variant is classified as pathogenic for neuronal ceroid lipofuscinosis.

GeneDx
Classification: Likely pathogenic. Last evaluated: 2020-05-18. Review status: criteria provided, single submitter. Criteria: GeneDx Variant Classification Process June 2021. Collection method: clinical testing. Allele origin: germline. Affected: yes.
Comment: Frameshift variant predicted to result in protein truncation, as the last 64 amino acids are replaced with 17 different amino acids, and other loss-of-function variants have been reported downstream in the Human Gene Mutation Database (Stenson et al., 2014); This variant is associated with the following publications: (PMID: 30792901)

Literature cited by the submitters: PubMed 30792901 (cited by Natera, Inc. and Labcorp Genetics (formerly Invitae), Labcorp); PubMed 31283065 (cited by Labcorp Genetics (formerly Invitae), Labcorp).